The following is an entry in ClinVar:

ClinVar aggregate classification (germline): Pathogenic (1 of 4 stars; one submission).

Conditions:
Hereditary breast ovarian cancer syndrome. Also called: Hereditary breast and ovarian cancer; Hereditary breast and ovarian cancer syndrome; Breast and ovarian cancer; BRCA1- and BRCA2-Associated Hereditary Breast and Ovarian Cancer; Hereditary breast and/or ovarian cancer syndrome; Hereditary breast and ovarian cancer syndrome (HBOC). Identifiers: Orphanet 145, MedGen C0677776, MeSH D061325, MONDO:0003582. Disease mechanism: loss of function.

Submission:

Labcorp Genetics (formerly Invitae), Labcorp
Classification: Pathogenic for Hereditary breast ovarian cancer syndrome. Last evaluated: 2021-04-30. Review status: criteria provided, single submitter. Criteria: Invitae Variant Classification Sherloc (09022015). Collection method: clinical testing. Allele origin: germline.
Comment: For these reasons, this variant has been classified as Pathogenic. Algorithms developed to predict the effect of sequence changes on RNA splicing suggest that this variant may create or strengthen a splice site, but this prediction has not been confirmed by published transcriptional studies. This variant has not been reported in the literature in individuals with BRCA2-related conditions. This variant is not present in population databases (ExAC no frequency). This sequence change creates a premature translational stop signal (p.Asn673Serfs*7) in the BRCA2 gene. It is expected to result in an absent or disrupted protein product. Loss-of-function variants in BRCA2 are known to be pathogenic (PMID: 20104584).

Literature cited by the submitters: PubMed 20104584.

NM_000059.4(BRCA2):c.2018_2040del (p.Asn673fs)

Gene: BRCA2 (BRCA2 DNA repair associated; plus strand). Cytogenetic location: 13q13.1.
Variant type: Deletion.
Coding change: c.2018_2040del on transcript NM_000059.4 (MANE Select); coding-DNA positions 2018 to 2040, 23 bases deleted (ATGAAACATGTTCTAATAATACA).
Protein change: p.Asn673fs; shifts the reading frame from asparagine 673.
Molecular consequence: frameshift variant.
Genome position (GRCh38, 1-based): chr13:32,336,373-32,336,395, ATGAAACATGTTCTAATAATACA deleted; deleting any 23 consecutive bases within chr13:32,336,372-32,336,395 gives the same sequence; the c. name uses the placement nearest the transcript's 3' end. VCF-style (leftmost placement, unchanged base first): chr13-32336371-AAATGAAACATGTTCTAATAATAC-A. GRCh37 (hg19) VCF-style: chr13-32910508-AAATGAAACATGTTCTAATAATAC-A.
Other names: short protein forms N673fs.
Identifiers: ClinVar variation 1444778 (VCV001444778.6), dbSNP rs2137482587, ClinGen allele CA2573149354.
Genomic context (GRCh38, chr13:32,336,371, plus strand): 5'-TGAAGAACCAACTTTGTCCTTAACTAGCTCTTTTGGGACAATTCTGAGGAAATGTTCTAG[AAATGAAACATGTTCTAATAATAC>A]AGTAATCTCTCAGGATCTTGATTATAAAGAAGCAAAATGTAATAAGGAAAAACTACAGTT-3'